The following is an entry in ClinVar:

ClinVar aggregate classification (germline): Uncertain significance (1 of 4 stars; one submission).

Submission:

Labcorp Genetics (formerly Invitae), Labcorp
Classification: Uncertain significance. Last evaluated: 2022-06-02. Review status: criteria provided, single submitter. Criteria: Invitae Variant Classification Sherloc (09022015). Collection method: clinical testing. Allele origin: germline.
Comment: This sequence change replaces alanine, which is neutral and non-polar, with serine, which is neutral and polar, at codon 487 of the IL6ST protein (p.Ala487Ser). This variant is not present in population databases (gnomAD no frequency). This variant has not been reported in the literature in individuals affected with IL6ST-related conditions. Algorithms developed to predict the effect of missense changes on protein structure and function (SIFT, PolyPhen-2, Align-GVGD) all suggest that this variant is likely to be tolerated. In summary, the available evidence is currently insufficient to determine the role of this variant in disease. Therefore, it has been classified as a Variant of Uncertain Significance.

NM_002184.4(IL6ST):c.1459G>T (p.Ala487Ser)

Gene: IL6ST (interleukin 6 cytokine family signal transducer; minus strand). Cytogenetic location: 5q11.2.
Variant type: single nucleotide variant.
Coding change: c.1459G>T on transcript NM_002184.4 (MANE Select); coding-DNA position 1459, G replaced by T.
Protein change: p.Ala487Ser; replaces alanine 487 with serine.
Molecular consequence: missense variant. On other transcripts: 3 prime UTR variant (1), non-coding transcript variant (2), intron variant (1).
Genome position (GRCh38, 1-based): chr5:55,952,343, C>A on the plus strand (G>T on the coding strand, the complement: IL6ST is on the minus strand). VCF-style: chr5-55952343-C-A. GRCh37 (hg19) VCF-style: chr5-55248171-C-A.
Other names: c.1276G>T, p.Ala426Ser (NM_001190981.2); c.1249G>T, p.Ala417Ser (NM_001364276.2); c.592G>T, p.Ala198Ser (NM_001364277.2); c.556G>T, p.Ala186Ser (NM_001364278.2); c.463G>T, p.Ala155Ser (NM_001364279.2); c.*386G>T (NM_175767.3); c.1451-268G>T (NM_001364275.2); short protein forms A155S, A186S, A426S, A417S, A198S, A487S.
Identifiers: ClinVar variation 2002095 (VCV002002095.4), dbSNP rs2533484331, ClinGen allele CA359762739.